The following is an entry in ClinVar:

NM_000059.4(BRCA2):c.6762del (p.Phe2254fs)

Gene: BRCA2 (BRCA2 DNA repair associated; plus strand). Cytogenetic location: 13q13.1.
Variant type: Deletion.
Coding change: c.6762del on transcript NM_000059.4 (MANE Select); coding-DNA position 6762, one base deleted (T; older notation c.6762delT).
Protein change: p.Phe2254fs; shifts the reading frame from phenylalanine 2254.
Molecular consequence: frameshift variant.
Genome position (GRCh38, 1-based): chr13:32,341,117, T deleted; the last of 5 consecutive T bases (chr13:32,341,113-32,341,117); deleting any one gives the same sequence. VCF-style (leftmost placement, unchanged base first): chr13-32341112-CT-C. GRCh37 (hg19) VCF-style: chr13-32915249-CT-C.
Other names: c.6762delT (NM_000059.3); short protein forms F2254fs.
Identifiers: ClinVar variation 245827 (VCV000245827.13), dbSNP rs80359624, ClinGen allele CA10584450.
Genomic context (GRCh38, chr13:32,341,112, plus strand): 5'-GCTTTTATGGAAGATGATGAACTGACAGATTCTAAACTGCCAAGTCATGCCACACATTCT[CT>C]TTTTACATGTCCCGAAAATGAGGAAATGGTTTTGTCAAATTCAAGAATTGGAAAAAGAAG-3'

ClinVar aggregate classification (germline): Pathogenic. Review status: reviewed by expert panel (3 of 4 stars). 4 submissions from 4 submitters: Pathogenic (1). 3 of the submissions do not count toward it. Last evaluated 2017-12-15.

Conditions:
Hereditary breast ovarian cancer syndrome. Also called: Hereditary breast and ovarian cancer; Hereditary breast and ovarian cancer syndrome (HBOC); BRCA1- and BRCA2-Associated Hereditary Breast and Ovarian Cancer; Hereditary breast and/or ovarian cancer syndrome; Breast and ovarian cancer; Hereditary breast and ovarian cancer syndrome. Identifiers: Orphanet 145, MedGen C0677776, MeSH D061325, MONDO:0003582. Disease mechanism: loss of function.
Breast-ovarian cancer, familial, susceptibility to, 2 (BROVCA2). Also called: BRCA2 Hereditary Breast and Ovarian Cancer. Identifiers: Orphanet 145, MedGen C2675520, MONDO:0012933, OMIM 612555. Disease mechanism: loss of function.

Submissions (4):

Evidence-based Network for the Interpretation of Germline Mutant Alleles (ENIGMA)
Classification: Pathogenic for Breast-ovarian cancer, familial, susceptibility to, 2. Last evaluated: 2017-12-15. Review status: reviewed by expert panel. Criteria: ENIGMA BRCA1/2 Classification Criteria (2017-06-29). Collection method: curation. Allele origin: germline. Study: ENIGMA.
Comment: Variant allele predicted to encode a truncated non-functional protein.

Labcorp Genetics (formerly Invitae), Labcorp
Classification: Pathogenic for Hereditary breast ovarian cancer syndrome. Last evaluated: 2022-01-18. Review status: criteria provided, single submitter. Criteria: Invitae Variant Classification Sherloc (09022015). Collection method: clinical testing. Allele origin: germline. Not counted in ClinVar's aggregate classification.
Comment: For these reasons, this variant has been classified as Pathogenic. ClinVar contains an entry for this variant (Variation ID: 245827). This variant has not been reported in the literature in individuals affected with BRCA2-related conditions. This variant is not present in population databases (gnomAD no frequency). This sequence change creates a premature translational stop signal (p.Phe2254Leufs*26) in the BRCA2 gene. It is expected to result in an absent or disrupted protein product. Loss-of-function variants in BRCA2 are known to be pathogenic (PMID: 20104584).

Women's Health and Genetics/Laboratory Corporation of America, LabCorp
Classification: Likely pathogenic for Hereditary breast and ovarian cancer syndrome. Last evaluated: 2018-04-13. Review status: criteria provided, single submitter. Criteria: LabCorp Variant Classification Summary - May 2015. Collection method: clinical testing. Allele origin: germline. Not counted in ClinVar's aggregate classification.
Comment: Variant summary: BRCA2 c.6762delT (p.Phe2254LeufsX26) results in a premature termination codon, predicted to cause a truncation of the encoded protein or absence of the protein due to nonsense mediated decay, which are commonly known mechanisms for disease. Truncations downstream of this position have been classified as pathogenic by our laboratory (eg. c.6944_6947delTAAA, p.Ile2315fsX12; c.6952C>T, p.Arg2318X; c.6997_6998delGT, p.Val2333fsX6). The variant was absent in 121018 control chromosomes. To our knowledge, no occurrence of c.6762delT in individuals affected with Hereditary Breast and Ovarian Cancer and no experimental evidence demonstrating its impact on protein function have been reported. One clinical diagnostic laboratory has submitted clinical-significance assessments for this variant to ClinVar after 2014 without evidence for independent evaluation and classified the variant as pathogenic. This lab has reported the variant to be in cis with the pathogenic BRCA2 variant c.6816_6841+1534del1560, a large deletion which occurs prior to the location of the current variant of interest, indicating the BRCA2 c.6762delT possibly is not expected to be clinically significant in the individual or family reported by this lab. Based on the evidence outlined above, the variant was classified as likely pathogenic.

GeneDx
Classification: Pathogenic. Last evaluated: 2015-07-07. Review status: criteria provided, single submitter. Criteria: GeneDx Variant Classification (06012015). Collection method: clinical testing. Allele origin: germline. Affected: yes. Not counted in ClinVar's aggregate classification.
Comment: This deletion of one nucleotide in BRCA2 is denoted c.6762delT at the cDNA level. The normal sequence, with the base that is deleted in braces, is CTTTT[T]ACAT. This variant has not, to our knowledge, been reported in the literature. Of note, BRCA2 c.6762delT is known to be in cis with the pathogenic BRCA2 variant, c.6816_6841+1534del1560. The BRCA2 c.6762delT deletion would be expected to cause a frameshift leading to a premature stop codon. However, the large deletion c.6816_6841+1534del1560 occurs prior to the location of the premature stop codon. Thus, BRCA2 c.6762delT is not expected to be clinically significant in this individual or family.,

Literature cited by the submitters: PubMed 20104584 (cited by Labcorp Genetics (formerly Invitae), Labcorp).